The following is an entry in ClinVar:

NM_001830.4(CLCN4):c.1389+5G>A

Gene: CLCN4 (Cl-/H+ antiporter 4; plus strand). Cytogenetic location: Xp22.2.
Variant type: single nucleotide variant.
Coding change: c.1389+5G>A on transcript NM_001830.4 (MANE Select); 5 bases into the intron after coding-DNA position 1389, G replaced by A.
Molecular consequence: intron variant.
Genome position (GRCh38, 1-based): chrX:10,208,595, G>A. VCF-style: chrX-10208595-G-A. GRCh37 (hg19) VCF-style: chrX-10176635-G-A.
Other names: c.1107+5G>A (NM_001256944.2).
Identifiers: ClinVar variation 224909 (VCV000224909.44), dbSNP rs879255590, ClinGen allele CA10576000.

ClinVar aggregate classification (germline): Conflicting classifications of pathogenicity. Review status: criteria provided, conflicting classifications (1 of 4 stars). 2 submissions from 2 submitters: Pathogenic (1); Uncertain significance (1). Last evaluated 2017-04-01.

Conditions:
CLCN4-related disorder. Identifiers: MedGen CN232948.

Submissions (2):

CeGaT Center for Human Genetics Tuebingen
Classification: Uncertain significance. Last evaluated: 2017-04-01. Review status: criteria provided, single submitter. Criteria: CeGaT Center For Human Genetics Tuebingen Variant Classification Criteria Version 2. Collection method: clinical testing. Allele origin: germline. Affected: yes. Observed: 1 variant allele.

Sydney Children's Hospital, SCHN
Classification: Pathogenic for CLCN4-related disorder. Last evaluated: 2016-03-22. Review status: criteria provided, single submitter. Criteria: Submitter's publication. Collection method: clinical testing. Allele origin: maternal. Inheritance: X-linked inheritance. Affected: yes. Observed: 2 variant alleles, 1 heterozygote, 1 hemizygote.
Comment: Clinical features consistent with case series of individuals with CLCN4 related disorder.